The following is an entry in ClinVar:

ClinVar aggregate classification (germline): Pathogenic (1 of 4 stars; one submission).

gnomAD v4.1: 17 of 1,584,200 alleles (0.0011%); highest among the groups gnomAD compares: Non-Finnish European, 0.00026%; no homozygotes.

Submission:

GeneDx
Classification: Pathogenic. Last evaluated: 2025-02-26. Review status: criteria provided, single submitter. Criteria: GeneDx Variant Classification Process June 2021. Collection method: clinical testing. Allele origin: germline. Affected: yes.
Comment: Alters the last nucleotide of the exon and is predicted to destroy the splice donor site and result in aberrant splicing, although in the absence of functional evidence the actual effect of this sequence change is unknown; This variant is associated with the following publications: (PMID: 31428121)

NM_176787.5(PIGN):c.2283G>C (p.Lys761Asn)

Gene: PIGN (phosphatidylinositol glycan anchor biosynthesis class N; minus strand). Cytogenetic location: 18q21.33.
Variant type: single nucleotide variant.
Coding change: c.2283G>C on transcript NM_176787.5 (MANE Select); coding-DNA position 2283, G replaced by C.
Protein change: p.Lys761Asn; replaces lysine 761 with asparagine.
Molecular consequence: missense variant.
Genome position (GRCh38, 1-based): chr18:62,090,476, C>G on the plus strand (G>C on the coding strand, the complement: PIGN is on the minus strand). VCF-style: chr18-62090476-C-G. GRCh37 (hg19) VCF-style: chr18-59757709-C-G.
Other names: c.2283G>C, p.Lys761Asn (NM_001438896.1, NM_001438904.1, NM_001438905.1 and 1 more transcripts); c.1881G>C, p.Lys627Asn (NM_001438910.1); short protein forms K627N, K761N.
Identifiers: ClinVar variation 4077176 (VCV004077176.1).